The following is an entry in ClinVar:

ClinVar aggregate classification (germline): Uncertain significance. Review status: criteria provided, multiple submitters, no conflicts (2 of 4 stars). 2 submissions from 2 submitters: Uncertain significance (2). Last evaluated 2017-01-19.

Conditions:
Cardiovascular phenotype. Identifiers: MedGen CN230736.

gnomAD v4.1: 2 of 1,614,222 alleles (0.00012%); highest among the groups gnomAD compares: Non-Finnish European, 0.00017%; no homozygotes.

Submissions (2):

GeneDx
Classification: Uncertain significance. Last evaluated: 2017-01-19. Review status: criteria provided, single submitter. Criteria: GeneDx Variant Classification (06012015). Collection method: clinical testing. Allele origin: germline. Affected: yes.
Comment: A variant of uncertain significance has been identified in the MYH6 gene. The E866G variant has not been published as pathogenic or been reported as benign to our knowledge. This variant is not observed in large population cohorts (Lek et al., 2016; 1000 Genomes Consortium et al., 2015; Exome Variant Server). The E866G variant is a non-conservative amino acid substitution, which is likely to impact secondary protein structure as these residues differ in polarity, charge, size and/or other properties. This substitution occurs at a position that is conserved in mammals. However, in silico analysis is inconsistent in its predictions as to whether or not the variant is damaging to the protein structure/function.

Ambry Genetics
Classification: Uncertain significance for Cardiovascular phenotype. Last evaluated: 2015-11-06. Review status: criteria provided, single submitter. Criteria: Ambry Variant Classification Scheme 2023. Collection method: clinical testing. Allele origin: germline.
Comment: The p.E866G variant (also known as c.2597A>G), located in coding exon 19 of the MYH6 gene, results from an A to G substitution at nucleotide position 2597. The glutamic acid at codon 866 is replaced by glycine, an amino acid with some similar properties. This variant was not reported in population based cohorts in the following databases: Database of Single Nucleotide Polymorphisms (dbSNP), NHLBI Exome Sequencing Project (ESP), and 1000 Genomes Project. In the ESP, this variant was not observed in 6503 samples (13006 alleles) with coverage at this position. This amino acid position is not well conserved in available vertebrate species. In addition, this alteration is predicted to be tolerated by in silico analysis. Since supporting evidence is limited at this time, the clinical significance of this variant remains unclear.

NM_002471.4(MYH6):c.2597A>G (p.Glu866Gly)

Gene: MYH6 (myosin heavy chain 6; minus strand). Cytogenetic location: 14q11.2.
Variant type: single nucleotide variant.
Coding change: c.2597A>G on transcript NM_002471.4 (MANE Select); coding-DNA position 2597, A replaced by G.
Protein change: p.Glu866Gly; replaces glutamic acid 866 with glycine.
Molecular consequence: missense variant.
Genome position (GRCh38, 1-based): chr14:23,394,156, T>C on the plus strand (A>G on the coding strand, the complement: MYH6 is on the minus strand). VCF-style: chr14-23394156-T-C. GRCh37 (hg19) VCF-style: chr14-23863365-T-C.
Other names: short protein forms E866G.
Identifiers: ClinVar variation 264480 (VCV000264480.6), dbSNP rs886039171, ClinGen allele CA10587761.